The following is an entry in ClinVar:

NM_001394372.1(BICRA):c.4269G>C (p.Glu1423Asp)

Gene: BICRA (BRD4 interacting chromatin remodeling complex associated protein; plus strand). Cytogenetic location: 19q13.33.
Variant type: single nucleotide variant.
Coding change: c.4269G>C on transcript NM_001394372.1 (MANE Select); coding-DNA position 4269, G replaced by C.
Protein change: p.Glu1423Asp; replaces glutamic acid 1423 with aspartic acid.
Molecular consequence: missense variant.
Genome position (GRCh38, 1-based): chr19:47,702,001, G>C. VCF-style: chr19-47702001-G-C. GRCh37 (hg19) VCF-style: chr19-48205258-G-C.
Other names: c.4269G>C, p.Glu1423Asp (NM_015711.3); short protein forms E1423D.
Identifiers: ClinVar variation 2672779 (VCV002672779.24), dbSNP rs748641931, ClinGen allele CA9542389.
Genomic context (GRCh38, chr19:47,702,001, plus strand): 5'-GACGCCCGCAGGCAGGGCACGGGGAGGCAGCCCGGCGCCGCTGCCCGCCAAAGTGGACGA[G>C]GCCACCAGCGGGCTCATCCGCGAGCTGGCGGCCGTGGAGGACGAGCTGTACCAGCGTATG-3'
Protein context (NP_001381301.1, residues 1413-1433): SPAPLPAKVD[Glu1423Asp]ATSGLIRELA

ClinVar aggregate classification (germline): Likely benign. Review status: criteria provided, multiple submitters, no conflicts (2 of 4 stars). 2 submissions from 2 submitters: Likely benign (2). Last evaluated 2025-02-16.

Allele frequency attached by ClinVar (database versions not stated): ExAC 0.00010; 1000 Genomes Project 30x 0.00016; TOPMed 0.00029; gnomAD 0.00032; gnomAD exomes 0.00057.
gnomAD v4.1: 790 of 1,485,596 alleles (0.053%); highest among the groups gnomAD compares: Non-Finnish European, 0.067%; no homozygotes.

Submissions (2):

Laboratory of Genetics, Children's Clinical University Hospital Latvia
Classification: Likely benign. Last evaluated: 2025-02-16. Review status: criteria provided, single submitter. Criteria: ACMG Guidelines, 2015. Collection method: clinical testing. Allele origin: germline. Affected: yes.

CeGaT Center for Human Genetics Tuebingen
Classification: Likely benign. Last evaluated: 2023-11-01. Review status: criteria provided, single submitter. Criteria: CeGaT Center For Human Genetics Tuebingen Variant Classification Criteria Version 2. Collection method: clinical testing. Allele origin: germline. Affected: yes. Observed: 1 variant allele.
Comment: BICRA: PM5, BS1